The following is an entry in ClinVar:

ClinVar aggregate classification (germline): Conflicting classifications of pathogenicity. Review status: criteria provided, conflicting classifications (1 of 4 stars). 4 submissions from 4 submitters: Uncertain significance (1); Likely benign (3). Last evaluated 2025-12-21.

Conditions:
Cardiovascular phenotype. Identifiers: MedGen CN230736.
Dilated cardiomyopathy 1G (CMD1G). Identifiers: Orphanet 154, MedGen C1858763, MONDO:0011400, OMIM 604145.
Autosomal recessive limb-girdle muscular dystrophy type 2J (LGMDR10). Also called: MUSCULAR DYSTROPHY, LIMB-GIRDLE, AUTOSOMAL RECESSIVE 10; Limb-girdle muscular dystrophy, type 2J. Identifiers: Orphanet 140922, MedGen C1837342, MONDO:0012127, OMIM 608807.

Allele frequency attached by ClinVar (database versions not stated): gnomAD exomes below 0.00001; TOPMed below 0.00001; gnomAD 0.00001.
gnomAD v4.1: 3 of 1,610,598 alleles (0.00019%); highest among the groups gnomAD compares: Admixed American, 0.0017%; no homozygotes.

Submissions (4):

Labcorp Genetics (formerly Invitae), Labcorp
Classification: Likely benign for Dilated cardiomyopathy 1G; Autosomal recessive limb-girdle muscular dystrophy type 2J. Last evaluated: 2025-12-21. Review status: criteria provided, single submitter. Criteria: Invitae Variant Classification Sherloc (09022015). Collection method: clinical testing. Allele origin: germline.

Ambry Genetics
Classification: Likely benign for Cardiovascular phenotype. Last evaluated: 2020-11-10. Review status: criteria provided, single submitter. Criteria: Ambry Variant Classification Scheme 2023. Collection method: clinical testing. Allele origin: germline.

GeneDx
Classification: Likely benign. Last evaluated: 2018-02-22. Review status: criteria provided, single submitter. Criteria: GeneDx Variant Classification (06012015). Collection method: clinical testing. Allele origin: germline. Affected: yes.
Comment: This variant is considered likely benign or benign based on one or more of the following criteria: it is a conservative change, it occurs at a poorly conserved position in the protein, it is predicted to be benign by multiple in silico algorithms, and/or has population frequency not consistent with disease.

Eurofins Ntd Llc (ga)
Classification: Uncertain significance. Last evaluated: 2017-05-24. Review status: criteria provided, single submitter. Criteria: EGL Classification Definitions 2015. Collection method: clinical testing. Allele origin: germline. Observed: 1 variant allele, 1 heterozygote.

NM_001267550.2(TTN):c.91224C>T (p.Ser30408=)

Genes: TTN-AS1 (TTN antisense RNA 1; plus strand), TTN (titin; minus strand). Cytogenetic location: 2q31.2.
Variant type: single nucleotide variant.
Coding change: c.91224C>T on transcript NM_001267550.2 (MANE Select); coding-DNA position 91224, C replaced by T.
Protein change: p.Ser30408=; no amino-acid change (serine 30408 retained).
Molecular consequence: synonymous variant.
Genome position (GRCh38, 1-based): chr2:178,551,676, G>A on the plus strand (C>T on the coding strand, the complement: TTN is on the minus strand). VCF-style: chr2-178551676-G-A. GRCh37 (hg19) VCF-style: chr2-179416403-G-A.
Other names: c.86301C>T, p.Ser28767= (NM_001256850.1); c.64029C>T, p.Ser21343= (NM_003319.4); c.83520C>T, p.Ser27840= (NM_133378.4); c.64404C>T, p.Ser21468= (NM_133432.3); c.64605C>T, p.Ser21535= (NM_133437.4).
Identifiers: ClinVar variation 387603 (VCV000387603.16), dbSNP rs1057522835, ClinGen allele CA16603867.